The following is an entry in ClinVar:

ClinVar aggregate classification (germline): Uncertain significance (1 of 4 stars; one submission).

Allele frequency attached by ClinVar (database versions not stated): gnomAD exomes below 0.00001; ExAC 0.00001; TOPMed 0.00001; ESP Exome Variant Server 0.00008.
gnomAD v4.1: 6 of 1,613,640 alleles (0.00037%); highest among the groups gnomAD compares: Non-Finnish European, 0.00051%; no homozygotes.

Submission:

Labcorp Genetics (formerly Invitae), Labcorp
Classification: Uncertain significance. Last evaluated: 2018-11-24. Review status: criteria provided, single submitter. Criteria: Invitae Variant Classification Sherloc (09022015). Collection method: clinical testing. Allele origin: germline.
Comment: In summary, the available evidence is currently insufficient to determine the role of this variant in disease. Therefore, it has been classified as a Variant of Uncertain Significance. Algorithms developed to predict the effect of missense changes on protein structure and function (SIFT, PolyPhen-2, Align-GVGD) all suggest that this variant is likely to be disruptive, but these predictions have not been confirmed by published functional studies and their clinical significance is uncertain. This variant has not been reported in the literature in individuals with SZT2-related conditions. This variant is present in population databases (rs371606094, ExAC 0.002%). This sequence change replaces proline with arginine at codon 3026 of the SZT2 protein (p.Pro3026Arg). The proline residue is highly conserved and there is a moderate physicochemical difference between proline and arginine.

NM_001365999.1(SZT2):c.9248C>G (p.Pro3083Arg)

Gene: SZT2 (SZT2 subunit of KICSTOR complex; plus strand). Cytogenetic location: 1p34.2.
Variant type: single nucleotide variant.
Coding change: c.9248C>G on transcript NM_001365999.1 (MANE Select); coding-DNA position 9248, C replaced by G.
Protein change: p.Pro3083Arg; replaces proline 3083 with arginine.
Molecular consequence: missense variant.
Genome position (GRCh38, 1-based): chr1:43,447,130, C>G. VCF-style: chr1-43447130-C-G. GRCh37 (hg19) VCF-style: chr1-43912801-C-G.
Other names: c.9077C>G, p.Pro3026Arg (NM_015284.4); short protein forms P3026R, P3083R.
Identifiers: ClinVar variation 664365 (VCV000664365.8), dbSNP rs371606094, ClinGen allele CA810852.
Genomic context (GRCh38, chr1:43,447,130, plus strand): 5'-TGGTGCTGCGGCACGGCTACCACCTCACCACCTTTCTGCGACACTTCCTGGCCCACCACC[C>G]TGACGGACCCCACTTTGGCCGCAATCACATTTACCAAGGTCAGTGCCCAAGGGCAAGCCA-3'
Protein context (NP_001352928.1, residues 3073-3093): TFLRHFLAHH[Pro3083Arg]DGPHFGRNHI